The following is an entry in ClinVar:

NM_138393.4(REEP6):c.265T>C (p.Trp89Arg)

Gene: REEP6 (receptor accessory protein 6; plus strand). Cytogenetic location: 19p13.3.
Variant type: single nucleotide variant.
Coding change: c.265T>C on transcript NM_138393.4 (MANE Select); coding-DNA position 265, T replaced by C.
Protein change: p.Trp89Arg; replaces tryptophan 89 with arginine.
Molecular consequence: missense variant.
Genome position (GRCh38, 1-based): chr19:1,495,524, T>C. VCF-style: chr19-1495524-T-C. GRCh37 (hg19) VCF-style: chr19-1495523-T-C.
Other names: c.265T>C, p.Trp89Arg (NM_001329556.3); short protein forms W89R.
Identifiers: ClinVar variation 1374166 (VCV001374166.6), dbSNP rs2145477845, ClinGen allele CA403056679.
Genomic context (GRCh38, chr19:1,495,524, plus strand): 5'-TGCAGAATCAAAGCTATCGAGAGCCCAAGCAAGGACGACGACACTGTGTGGCTCACCTAC[T>C]GGGTGGTGTACGCCCTGTTTGGGCTGGCCGAGTTCTTCAGCGATCTACTCCTGTCCTGGT-3'
Protein context (NP_612402.1, residues 79-99): KDDDTVWLTY[Trp89Arg]VVYALFGLAE

ClinVar aggregate classification (germline): Uncertain significance (1 of 4 stars; one submission).

Submission:

Labcorp Genetics (formerly Invitae), Labcorp
Classification: Uncertain significance. Last evaluated: 2021-02-19. Review status: criteria provided, single submitter. Criteria: Invitae Variant Classification Sherloc (09022015). Collection method: clinical testing. Allele origin: germline.
Comment: In summary, the available evidence is currently insufficient to determine the role of this variant in disease. Therefore, it has been classified as a Variant of Uncertain Significance. Experimental studies and prediction algorithms are not available or were not evaluated, and the functional significance of this variant is currently unknown. This variant has been observed in individual(s) with clinical features of retinitis pigmentosa (Invitae). In at least one individual the data is consistent with the variant being in trans (on the opposite chromosome) from a pathogenic variant. This variant is not present in population databases (ExAC no frequency). This sequence change replaces tryptophan with arginine at codon 89 of the REEP6 protein (p.Trp89Arg). The tryptophan residue is highly conserved and there is a moderate physicochemical difference between tryptophan and arginine.